The following is an entry in ClinVar:

NM_000143.4(FH):c.698G>T (p.Arg233Leu)

Gene: FH (fumarate hydratase; minus strand). Cytogenetic location: 1q43.
Variant type: single nucleotide variant.
Coding change: c.698G>T on transcript NM_000143.4 (MANE Select); coding-DNA position 698, G replaced by T.
Protein change: p.Arg233Leu; replaces arginine 233 with leucine.
Molecular consequence: missense variant.
Genome position (GRCh38, 1-based): chr1:241,508,643, C>A on the plus strand (G>T on the coding strand, the complement: FH is on the minus strand). VCF-style: chr1-241508643-C-A. GRCh37 (hg19) VCF-style: chr1-241671943-C-A.
Other names: R190L; short protein forms R233L.
Identifiers: ClinVar variation 16237 (VCV000016237.20), dbSNP rs121913123, ClinGen allele CA257461.

ClinVar aggregate classification (germline): Pathogenic/Likely pathogenic. Review status: criteria provided, multiple submitters, no conflicts (2 of 4 stars). 8 submissions from 8 submitters: Pathogenic (4); Likely pathogenic (3). 1 of the submissions does not count toward it. Last evaluated 2025-03-04.

Conditions:
Hereditary cancer-predisposing syndrome. Also called: Hereditary Cancer Syndrome; Tumor predisposition; Neoplastic Syndromes, Hereditary; Hereditary neoplastic syndrome. Identifiers: Orphanet 140162, MedGen C0027672, MeSH D009386, MONDO:0015356.
Hereditary leiomyomatosis and renal cell cancer. Also called: FH tumor predisposition syndrome; Reed syndrome; Multiple cutaneous and uterine leiomyomatosis; Cutaneous leiomyomata with uterine leiomyomata; Leiomyoma, hereditary multiple, of skin; Multiple cutaneous and uterine leiomyomata. Identifiers: Orphanet 523, MedGen C1708350, MONDO:0007888, OMIM 150800, HP:0007437. Disease mechanism: loss of function.

gnomAD v4.1: 5 of 1,613,808 alleles (0.00031%); highest among the groups gnomAD compares: South Asian, 0.0055%; no homozygotes.

Submissions (8):

Center for Genomic Medicine, Rigshospitalet, Copenhagen University Hospital
Classification: Pathogenic. Last evaluated: 2025-03-04. Review status: criteria provided, single submitter. Criteria: ACMG Guidelines, 2015. Collection method: clinical testing. Allele origin: germline.

Labcorp Genetics (formerly Invitae), Labcorp
Classification: Pathogenic. Last evaluated: 2023-09-25. Review status: criteria provided, single submitter. Criteria: Invitae Variant Classification Sherloc (09022015). Collection method: clinical testing. Allele origin: germline.
Comment: This missense change has been observed in individual(s) with clinical features of hereditary leiomyomatosis and renal cell cancer (PMID: 12772087, 29423582; Invitae). This sequence change replaces arginine, which is basic and polar, with leucine, which is neutral and non-polar, at codon 233 of the FH protein (p.Arg233Leu). This variant is present in population databases (rs121913123, gnomAD 0.003%). This variant is also known as c.569G>T, p.Arg190Leu. ClinVar contains an entry for this variant (Variation ID: 16237). Advanced modeling of protein sequence and biophysical properties (such as structural, functional, and spatial information, amino acid conservation, physicochemical variation, residue mobility, and thermodynamic stability) performed at Invitae indicates that this missense variant is expected to disrupt FH protein function. This variant disrupts the p.Arg233 amino acid residue in FH. Other variant(s) that disrupt this residue have been determined to be pathogenic (PMID: 12772087, 15937070, 21398687; Invitae). This suggests that this residue is clinically significant, and that variants that disrupt this residue are likely to be disease-causing. For these reasons, this variant has been classified as Pathogenic.

Ambry Genetics
Classification: Pathogenic for Hereditary cancer-predisposing syndrome. Last evaluated: 2023-07-25. Review status: criteria provided, single submitter. Criteria: Ambry Variant Classification Scheme 2023. Collection method: clinical testing. Allele origin: germline.
Comment: The p.R233L pathogenic mutation (also known as c.698G>T), located in coding exon 5 of the FH gene, results from a G to T substitution at nucleotide position 698. The arginine at codon 233 is replaced by leucine, an amino acid with dissimilar properties. This mutation has been identified in several individuals with clinical features of HLRCC (Chuang GS et al. Clin. Exp. Dermatol. 2006 Jan;31:118-21; Bhola PT et al. Fam. Cancer, 2018 10;17:615-620; Toro JR et al. Am. J. Hum. Genet., 2003 Jul;73:95-106; Ambry internal data). In addition, another well known pathogenic mutation at this same location, p.R233H (c.698G>A), has been shown to be associated with disease. This amino acid position is highly conserved in available vertebrate species. In addition, this alteration is predicted to be deleterious by in silico analysis. Based on the supporting evidence, this alteration is interpreted as a disease-causing mutation.

Myriad Genetics, Inc.
Classification: Likely pathogenic for Hereditary leiomyomatosis and renal cell cancer. Last evaluated: 2023-04-10. Review status: criteria provided, single submitter. Criteria: Myriad Autosomal Dominant, Autosomal Recessive and X-Linked Classification Criteria (2023). Collection method: clinical testing. Allele origin: unknown.
Comment: This variant is considered likely pathogenic. This variant has been reported in multiple individuals with clinical features of gene-specific disease [PMID: 12772087, 16309500, 29423582, 16237213, 33167498, 22677546, 26237645]. This variant is expected to disrupt protein structure [Myriad internal data].

Institute for Genomic Medicine (IGM) Clinical Laboratory, Nationwide Children's Hospital
Classification: Likely pathogenic for Hereditary leiomyomatosis and renal cell cancer. Last evaluated: 2022-10-31. Review status: criteria provided, single submitter. Criteria: ACMG Guidelines, 2015. Collection method: clinical testing. Allele origin: germline.
Comment: This variant has been reported at an elevated frequency in affected individuals/in multiple affected individuals in the literature (ACMG/AMP: PS4_Supporting; PMIDs:12772087, 31471882). This variant is located in a mutational hot spot and/or critical and well-established functional domain (ACMG/AMP: PM1; PMIDs:18366737, 21445611). This variant is absent from or present at an exceedingly low frequency in gnomAD, a large-scale control population database (ACMG/AMP: PM2). This variant occurs in a gene with a low rate of benign missense variation, in which missense alterations are a common mechanism of disease (ACMG/AMP: PP2; PMIDs:12772087, 18366737). This variant is predicted to alter protein function or structure, or disrupt splicing by multiple in silico tools (ACMG/AMP: PP3).

Institute of Human Genetics Munich, TUM University Hospital
Classification: Pathogenic for Hereditary leiomyomatosis and renal cell cancer. Last evaluated: 2017-12-18. Review status: criteria provided, single submitter. Criteria: Classification criteria August 2017. Collection method: clinical testing. Allele origin: germline. Inheritance: Autosomal dominant inheritance. Affected: yes. Observed: 1 heterozygote.

Genomic Diagnostic Laboratory, Division of Genomic Diagnostics, Children's Hospital of Philadelphia
Classification: Likely pathogenic for Hereditary leiomyomatosis and renal cell cancer. Last evaluated: 2017-01-17. Review status: criteria provided, single submitter. Criteria: DGD Variant Analysis Guidelines. Collection method: clinical testing. Allele origin: germline. Affected: yes. Observed: 1 variant allele.
Comment: Clinical Testing

OMIM
Classification: Pathogenic for HEREDITARY LEIOMYOMATOSIS AND RENAL CELL CANCER. Last evaluated: 2003-07-01. Review status: no assertion criteria provided. Collection method: literature only. Allele origin: germline. Not counted in ClinVar's aggregate classification.

Literature cited by the submitters: PubMed 29423582 (cited by 4 submitters); PubMed 16309500 (cited by 3 submitters); PubMed 21445611 (cited by 3 submitters); PubMed 12772087 (cited by 5 submitters); PubMed 15937070 (cited by Labcorp Genetics (formerly Invitae), Labcorp); PubMed 21398687 (cited by Labcorp Genetics (formerly Invitae), Labcorp); PubMed 18366737 (cited by Ambry Genetics and Institute for Genomic Medicine (IGM) Clinical Laboratory, Nationwide Children's Hospital); PubMed 16237213 (cited by Myriad Genetics, Inc.); PubMed 33167498 (cited by Myriad Genetics, Inc.); PubMed 22677546 (cited by Myriad Genetics, Inc.); PubMed 26237645 (cited by Myriad Genetics, Inc.); PubMed 31471882 (cited by Institute for Genomic Medicine (IGM) Clinical Laboratory, Nationwide Children's Hospital).